The following is an entry in ClinVar:

NM_000548.5(TSC2):c.2396G>A (p.Arg799His)

Gene: TSC2 (TSC complex subunit 2; plus strand). Cytogenetic location: 16p13.3.
Variant type: single nucleotide variant.
Coding change: c.2396G>A on transcript NM_000548.5 (MANE Select); coding-DNA position 2396, G replaced by A.
Protein change: p.Arg799His; replaces arginine 799 with histidine.
Molecular consequence: missense variant.
Genome position (GRCh38, 1-based): chr16:2,074,240, G>A. VCF-style: chr16-2074240-G-A. GRCh37 (hg19) VCF-style: chr16-2124241-G-A.
Other names: c.2396G>A, p.Arg799His (NM_001077183.3, NM_001114382.3, NM_001363528.2 and 3 more transcripts); c.2285G>A, p.Arg762His (NM_001318827.2); c.2249G>A, p.Arg750His (NM_001318829.2); c.1796G>A, p.Arg599His (NM_001318831.2); c.2429G>A, p.Arg810His (NM_001318832.2); short protein forms R799H, R599H, R762H, R810H, R750H.
Identifiers: ClinVar variation 576227 (VCV000576227.18), dbSNP rs1567474646, ClinGen allele CA394277098.

ClinVar aggregate classification (germline): Uncertain significance. Review status: criteria provided, multiple submitters, no conflicts (2 of 4 stars). 4 submissions from 4 submitters: Uncertain significance (4). Last evaluated 2024-08-17.

Conditions:
Tuberous sclerosis 2 (TSC2). Identifiers: Orphanet 805, MedGen C1860707, MONDO:0013199, OMIM 613254.
Isolated focal cortical dysplasia type II (FCORD2). Also called: Focal cortical dysplasia type II; CORTICAL DYSPLASIA OF TAYLOR. Identifiers: Orphanet 268994, MedGen C1846385, MONDO:0011818, OMIM 607341, HP:0032051.
Lymphangiomyomatosis (LAM). Also called: Lymphangioleiomyomatosis; Lymphangioleiomyomatosis, somatic. Identifiers: Orphanet 538, MedGen C0751674, MONDO:0011705, OMIM 606690.
Hereditary cancer-predisposing syndrome. Also called: Hereditary neoplastic syndrome; Tumor predisposition; Hereditary Cancer Syndrome; Neoplastic Syndromes, Hereditary. Identifiers: Orphanet 140162, MedGen C0027672, MeSH D009386, MONDO:0015356.

Allele frequency attached by ClinVar (database versions not stated): gnomAD exomes below 0.00001.
gnomAD v4.1: 3 of 1,612,384 alleles (0.00019%); highest among the groups gnomAD compares: East Asian, 0.0022%; no homozygotes.

Submissions (4):

Labcorp Genetics (formerly Invitae), Labcorp
Classification: Uncertain significance for Tuberous sclerosis 2. Last evaluated: 2024-08-17. Review status: criteria provided, single submitter. Criteria: Invitae Variant Classification Sherloc (09022015). Collection method: clinical testing. Allele origin: germline.
Comment: This sequence change replaces arginine, which is basic and polar, with histidine, which is basic and polar, at codon 799 of the TSC2 protein (p.Arg799His). This variant is not present in population databases (gnomAD no frequency). This variant has not been reported in the literature in individuals affected with TSC2-related conditions. ClinVar contains an entry for this variant (Variation ID: 576227). Invitae Evidence Modeling of protein sequence and biophysical properties (such as structural, functional, and spatial information, amino acid conservation, physicochemical variation, residue mobility, and thermodynamic stability) indicates that this missense variant is not expected to disrupt TSC2 protein function with a negative predictive value of 95%. In summary, the available evidence is currently insufficient to determine the role of this variant in disease. Therefore, it has been classified as a Variant of Uncertain Significance.

Genome-Nilou Lab
Classification: Uncertain significance for Tuberous sclerosis 2. Last evaluated: 2021-11-07. Review status: criteria provided, single submitter. Criteria: ACMG Guidelines, 2015. Collection method: clinical testing. Allele origin: germline. Affected: no.

Ambry Genetics
Classification: Uncertain significance for Hereditary cancer-predisposing syndrome. Last evaluated: 2021-09-01. Review status: criteria provided, single submitter. Criteria: Ambry Variant Classification Scheme 2023. Collection method: clinical testing. Allele origin: germline.
Comment: The p.R799H variant (also known as c.2396G>A), located in coding exon 21 of the TSC2 gene, results from a G to A substitution at nucleotide position 2396. The arginine at codon 799 is replaced by histidine, an amino acid with highly similar properties. This amino acid position is highly conserved in available vertebrate species. In addition, this alteration is predicted to be deleterious by in silico analysis. Since supporting evidence is limited at this time, the clinical significance of this alteration remains unclear.

Fulgent Genetics
Classification: Uncertain significance for Lymphangiomyomatosis; Isolated focal cortical dysplasia type II; Tuberous sclerosis 2. Last evaluated: 2021-07-27. Review status: criteria provided, single submitter. Criteria: ACMG Guidelines, 2015. Collection method: clinical testing. Allele origin: unknown.